The following is an entry in ClinVar:

ClinVar aggregate classification (germline): Uncertain significance (1 of 4 stars; one submission).

Submission:

Labcorp Genetics (formerly Invitae), Labcorp
Classification: Uncertain significance. Last evaluated: 2022-05-03. Review status: criteria provided, single submitter. Criteria: Invitae Variant Classification Sherloc (09022015). Collection method: clinical testing. Allele origin: germline.
Comment: In summary, the available evidence is currently insufficient to determine the role of this variant in disease. Therefore, it has been classified as a Variant of Uncertain Significance. Variants that disrupt the consensus splice site are a relatively common cause of aberrant splicing (PMID: 17576681, 9536098). Algorithms developed to predict the effect of sequence changes on RNA splicing suggest that this variant may disrupt the consensus splice site. This variant has not been reported in the literature in individuals affected with EYS-related conditions. This variant is not present in population databases (gnomAD no frequency). This sequence change falls in intron 38 of the EYS gene. It does not directly change the encoded amino acid sequence of the EYS protein. It affects a nucleotide within the consensus splice site.

Literature cited by the submitters: PubMed 17576681; PubMed 9536098.

NM_001142800.2(EYS):c.7578+3A>G

Gene: EYS (EGF-like photoreceptor maintenance factor; minus strand). Cytogenetic location: 6q12.
Variant type: single nucleotide variant.
Coding change: c.7578+3A>G on transcript NM_001142800.2 (MANE Select); 3 bases into the intron after coding-DNA position 7578, A replaced by G.
Molecular consequence: intron variant.
Genome position (GRCh38, 1-based): chr6:63,789,055, T>C on the plus strand (A>G on the coding strand, the complement: EYS is on the minus strand). VCF-style: chr6-63789055-T-C. GRCh37 (hg19) VCF-style: chr6-64498948-T-C.
Other names: c.7578+3A>G (NM_001292009.2).
Identifiers: ClinVar variation 2133252 (VCV002133252.4), dbSNP rs2533541839, ClinGen allele CA2580075619.